The following is an entry in ClinVar:

ClinVar aggregate classification (germline): Conflicting classifications of pathogenicity. Review status: criteria provided, conflicting classifications (1 of 4 stars). 2 submissions from 2 submitters: Uncertain significance (1); Likely benign (1). Last evaluated 2025-02-08.

Allele frequency attached by ClinVar (database versions not stated): TOPMed below 0.00001; gnomAD 0.00001; gnomAD exomes 0.00001.
gnomAD v4.1: 24 of 1,614,036 alleles (0.0015%); highest among the groups gnomAD compares: Non-Finnish European, 0.0018%; no homozygotes.

Submissions (2):

Ambry Genetics
Classification: Likely benign. Last evaluated: 2025-02-08. Review status: criteria provided, single submitter. Criteria: Ambry Variant Classification Scheme 2023. Collection method: clinical testing. Allele origin: germline.

Labcorp Genetics (formerly Invitae), Labcorp
Classification: Uncertain significance. Last evaluated: 2023-10-17. Review status: criteria provided, single submitter. Criteria: Invitae Variant Classification Sherloc (09022015). Collection method: clinical testing. Allele origin: germline.
Comment: This sequence change replaces tyrosine, which is neutral and polar, with histidine, which is basic and polar, at codon 687 of the AK7 protein (p.Tyr687His). This variant is present in population databases (no rsID available, gnomAD 0.0009%). This variant has not been reported in the literature in individuals affected with AK7-related conditions. Advanced modeling of protein sequence and biophysical properties (such as structural, functional, and spatial information, amino acid conservation, physicochemical variation, residue mobility, and thermodynamic stability) performed at Invitae indicates that this missense variant is not expected to disrupt AK7 protein function. In summary, the available evidence is currently insufficient to determine the role of this variant in disease. Therefore, it has been classified as a Variant of Uncertain Significance.

NM_152327.5(AK7):c.2059T>C (p.Tyr687His)

Gene: AK7 (adenylate kinase 7; plus strand). Cytogenetic location: 14q32.2.
Variant type: single nucleotide variant.
Coding change: c.2059T>C on transcript NM_152327.5 (MANE Select); coding-DNA position 2059, T replaced by C.
Protein change: p.Tyr687His; replaces tyrosine 687 with histidine.
Molecular consequence: missense variant.
Genome position (GRCh38, 1-based): chr14:96,486,982, T>C. VCF-style: chr14-96486982-T-C. GRCh37 (hg19) VCF-style: chr14-96953319-T-C.
Other names: c.2059T>C (NM_152327.2); c.1990T>C, p.Tyr664His (NM_001350888.2, NM_001350890.2); c.1981T>C, p.Tyr661His (NM_001350891.2); c.1861T>C, p.Tyr621His (NM_001350892.2); short protein forms Y687H, Y621H, Y661H, Y664H.
Identifiers: ClinVar variation 2999414 (VCV002999414.4), dbSNP rs1478365239, ClinGen allele CA390926302.
Genomic context (GRCh38, chr14:96,486,982, plus strand): 5'-AGAGAAGAAAGAGAATTACTGGAGGCTCAGTCAATTCCCCTGAGAAACTATTTAATGACC[T>C]ATGTGATGCCAACTCTTATTCAGGGCCTGAATGAATGTTGCAACGTCCGACCCGAAGACC-3'
Protein context (NP_689540.2, residues 677-697): SIPLRNYLMT[Tyr687His]VMPTLIQGLN